The following is an entry in ClinVar:

ClinVar aggregate classification (germline): Likely benign. Review status: criteria provided, multiple submitters, no conflicts (2 of 4 stars). 3 submissions from 3 submitters: Likely benign (2). 1 of the submissions does not count toward it. Last evaluated 2023-08-28.

Conditions:
TRIOBP-related disorder. Also called: TRIOBP-related condition.

Allele frequency attached by ClinVar (database versions not stated): ExAC 0.00029.

Submissions (3):

Labcorp Genetics (formerly Invitae), Labcorp
Classification: Likely benign. Last evaluated: 2023-08-28. Review status: criteria provided, single submitter. Criteria: Invitae Variant Classification Sherloc (09022015). Collection method: clinical testing. Allele origin: germline.

CeGaT Center for Human Genetics Tuebingen
Classification: Likely benign. Last evaluated: 2023-04-01. Review status: criteria provided, single submitter. Criteria: CeGaT Center For Human Genetics Tuebingen Variant Classification Criteria Version 2. Collection method: clinical testing. Allele origin: germline. Affected: yes. Observed: 1 variant allele.
Comment: TRIOBP: BP4, BP7

PreventionGenetics, part of Exact Sciences
Classification: Likely benign for TRIOBP-related condition. Last evaluated: 2019-08-26. Review status: no assertion criteria provided. Collection method: clinical testing. Allele origin: germline. Not counted in ClinVar's aggregate classification.
Comment: This variant is classified as likely benign based on ACMG/AMP sequence variant interpretation guidelines (Richards et al. 2015 PMID: 25741868, with internal and published modifications).

NM_001039141.3(TRIOBP):c.1932A>G (p.Gln644=)

Gene: TRIOBP (TRIO and F-actin binding protein; plus strand). Cytogenetic location: 22q13.1.
Variant type: single nucleotide variant.
Coding change: c.1932A>G on transcript NM_001039141.3 (MANE Select); coding-DNA position 1932, A replaced by G.
Protein change: p.Gln644=; no amino-acid change (glutamine 644 retained).
Molecular consequence: synonymous variant.
Genome position (GRCh38, 1-based): chr22:37,724,488, A>G. VCF-style: chr22-37724488-A-G. GRCh37 (hg19) VCF-style: chr22-38120495-A-G.
Other names: c.1932A>G (NM_001039141.2).
Identifiers: ClinVar variation 2187486 (VCV002187486.29), dbSNP rs749152024, ClinGen allele CA10223733.